The following is an entry in ClinVar:

ClinVar aggregate classification (germline): Uncertain significance (1 of 4 stars; one submission).

Submission:

GeneDx
Classification: Uncertain significance. Last evaluated: 2022-04-21. Review status: criteria provided, single submitter. Criteria: GeneDx Variant Classification Process June 2021. Collection method: clinical testing. Allele origin: germline. Affected: yes.
Comment: Not observed at significant frequency in large population cohorts (gnomAD); In silico analysis supports that this missense variant does not alter protein structure/function; Has not been previously published as pathogenic or benign to our knowledge; Variants in candidate genes are classified as variants of uncertain significance in accordance with ACMG guidelines (Richards et al., 2015)

NM_016312.3(WBP11):c.1505C>T (p.Pro502Leu)

Gene: WBP11 (WW domain binding protein 11; minus strand). Cytogenetic location: 12p12.3.
Variant type: single nucleotide variant.
Coding change: c.1505C>T on transcript NM_016312.3 (MANE Select); coding-DNA position 1505, C replaced by T.
Protein change: p.Pro502Leu; replaces proline 502 with leucine.
Molecular consequence: missense variant.
Genome position (GRCh38, 1-based): chr12:14,787,486, G>A on the plus strand (C>T on the coding strand, the complement: WBP11 is on the minus strand). VCF-style: chr12-14787486-G-A. GRCh37 (hg19) VCF-style: chr12-14940420-G-A.
Other names: short protein forms P502L.
Identifiers: ClinVar variation 1712127 (VCV001712127.2), dbSNP rs2498037160, ClinGen allele CA384008599.